The following is an entry in ClinVar:

ClinVar aggregate classification (germline): Conflicting classifications of pathogenicity. Review status: criteria provided, conflicting classifications (1 of 4 stars). 2 submissions from 2 submitters: Likely pathogenic (1); Uncertain significance (1). Last evaluated 2025-10-16.

Conditions:
Spastic paraplegia. Identifiers: MedGen C0037772, HP:0001258.
Hereditary spastic paraplegia 15 (SPG15). Also called: SPASTIC PARAPLEGIA 15, AUTOSOMAL RECESSIVE; KJELLIN SYNDROME; SPASTIC PARAPLEGIA AND RETINAL DEGENERATION. Identifiers: Orphanet 100996, MedGen C1849128, MONDO:0010044, OMIM 270700.

Submissions (2):

Myriad Genetics, Inc.
Classification: Uncertain significance for Hereditary spastic paraplegia 15. Last evaluated: 2025-10-16. Review status: criteria provided, single submitter. Criteria: Myriad Autosomal Dominant, Autosomal Recessive and X-Linked Classification Criteria (2023). Collection method: clinical testing. Allele origin: unknown.
Comment: NM_015346.3(ZFYVE26):c.2756-1G>A is a variant in a canonical splice site classified as a variant of uncertain significance in the context of spastic paraplegia type 15. c.2756-1G>A has not been observed in cases with relevant disease. Relevant functional assessments of this variant are not available in the literature. c.2756-1G>A has not been observed in referenced population frequency databases. In summary, there is insufficient evidence to classify NM_015346.3(ZFYVE26):c.2756-1G>A as pathogenic or benign. Please note: this variant was assessed in the context of healthy population screening.

Labcorp Genetics (formerly Invitae), Labcorp
Classification: Likely pathogenic for Spastic paraplegia. Last evaluated: 2019-12-22. Review status: criteria provided, single submitter. Criteria: Invitae Variant Classification Sherloc (09022015). Collection method: clinical testing. Allele origin: germline.
Comment: This variant is not present in population databases (ExAC no frequency). In summary, the currently available evidence indicates that the variant is pathogenic, but additional data are needed to prove that conclusively. Therefore, this variant has been classified as Likely Pathogenic. Donor and acceptor splice site variants typically lead to a loss of protein function (PMID: 16199547), and loss-of-function variants in ZFYVE26 are known to be pathogenic (PMID: 18394578, 19805727). Algorithms developed to predict the effect of sequence changes on RNA splicing suggest that this variant may disrupt the consensus splice site, but this prediction has not been confirmed by published transcriptional studies. This variant has not been reported in the literature in individuals with ZFYVE26-related conditions. This sequence change affects an acceptor splice site in intron 15 of the ZFYVE26 gene. It is expected to disrupt RNA splicing and likely results in an absent or disrupted protein product.

Literature cited by the submitters: PubMed 16199547 (cited by Labcorp Genetics (formerly Invitae), Labcorp); PubMed 18394578 (cited by Labcorp Genetics (formerly Invitae), Labcorp); PubMed 19805727 (cited by Labcorp Genetics (formerly Invitae), Labcorp).

NM_015346.4(ZFYVE26):c.2756-1G>A

Gene: ZFYVE26 (zinc finger FYVE-type containing 26; minus strand). Cytogenetic location: 14q24.1.
Variant type: single nucleotide variant.
Coding change: c.2756-1G>A on transcript NM_015346.4 (MANE Select); the canonical splice acceptor site of the intron before coding-DNA position 2756, G replaced by A.
Molecular consequence: splice acceptor variant.
Genome position (GRCh38, 1-based): chr14:67,789,599, C>T on the plus strand (G>A on the coding strand, the complement: ZFYVE26 is on the minus strand). VCF-style: chr14-67789599-C-T. GRCh37 (hg19) VCF-style: chr14-68256316-C-T.
Identifiers: ClinVar variation 855898 (VCV000855898.10), dbSNP rs2039758874, ClinGen allele CA390173744.